The following is an entry in ClinVar:

NM_000426.4(LAMA2):c.4177-73C>T

Gene: LAMA2 (laminin subunit alpha 2; plus strand). Cytogenetic location: 6q22.33.
Variant type: single nucleotide variant.
Coding change: c.4177-73C>T on transcript NM_000426.4 (MANE Select); 73 bases into the intron before coding-DNA position 4177, C replaced by T.
Molecular consequence: intron variant.
Genome position (GRCh38, 1-based): chr6:129,328,205, C>T. VCF-style: chr6-129328205-C-T. GRCh37 (hg19) VCF-style: chr6-129649350-C-T.
Other names: c.4177-73C>T (NM_001079823.2).
Identifiers: ClinVar variation 682919 (VCV000682919.2), dbSNP rs55748488, ClinGen allele CA146890112.

ClinVar aggregate classification (germline): Likely benign. Review status: criteria provided, multiple submitters, no conflicts (2 of 4 stars). 2 submissions from 2 submitters: Likely benign (2). Last evaluated 2018-06-19.

Allele frequency attached by ClinVar (database versions not stated): 1000 Genomes Project 30x 0.01343; 1000 Genomes Project 0.01418; TOPMed 0.02098; gnomAD 0.02321 and 0.02407; gnomAD exomes 0.03209.
gnomAD v4.1: 40,925 of 1,322,178 alleles (3.1%); highest among the groups gnomAD compares: Non-Finnish European, 3.8%; 762 homozygotes.

Submissions (2):

GeneDx
Classification: Likely benign. Last evaluated: 2018-06-19. Review status: criteria provided, single submitter. Criteria: GeneDx Variant Classification (06012015). Collection method: clinical testing. Allele origin: germline. Affected: yes.
Comment: This variant is considered likely benign or benign based on one or more of the following criteria: it is a conservative change, it occurs at a poorly conserved position in the protein, it is predicted to be benign by multiple in silico algorithms, and/or has population frequency not consistent with disease.

Breakthrough Genomics
Classification: Likely benign. Review status: criteria provided, single submitter. Criteria: ACMG Guidelines, 2015. Collection method: not provided. Allele origin: germline. Inheritance: Autosomal recessive inheritance. Affected: yes.